The following is an entry in ClinVar:

ClinVar aggregate classification (germline): Pathogenic (1 of 4 stars; one submission).

Conditions:
Duchenne muscular dystrophy (DMD). Also called: MUSCULAR DYSTROPHY, PSEUDOHYPERTROPHIC PROGRESSIVE, DUCHENNE TYPE; Duchenne Muscular Dystrophy (DMD). Identifiers: Orphanet 98896, MedGen C0013264, MONDO:0010679, OMIM 310200.

Submission:

Labcorp Genetics (formerly Invitae), Labcorp
Classification: Pathogenic for Duchenne muscular dystrophy. Last evaluated: 2020-08-17. Review status: criteria provided, single submitter. Criteria: Invitae Variant Classification Sherloc (09022015). Collection method: clinical testing. Allele origin: germline.
Comment: This variant is an in-frame deletion of the genomic region encompassing exons 10-30 of the DMD gene. It preserves the integrity of the reading frame. This variant has been observed in individuals affected with DMD-related muscular dystrophy (PMID: 21150048, 24292997). Sub-genic deletion of exon 13 has been determined to be pathogenic (PMID: 18353051, 22379338, 28116794, 28610567). Therefore, deletions that fully encompass that region are also expected to be pathogenic. For these reasons, this variant has been classified as Pathogenic.

Literature cited by the submitters: PubMed 21150048; PubMed 24292997; PubMed 18353051; PubMed 22379338; PubMed 28116794; PubMed 28610567.

NC_000023.10:g.(?_32429859)_32663279del

Gene: DMD (dystrophin; minus strand).
Variant type: Deletion.
Identifiers: ClinVar variation 1073292 (VCV001073292.2).